The following is an entry in ClinVar:

NM_020987.5(ANK3):c.7909A>T (p.Thr2637Ser)

Gene: ANK3 (ankyrin 3; minus strand). Cytogenetic location: 10q21.2.
Variant type: single nucleotide variant.
Coding change: c.7909A>T on transcript NM_020987.5 (MANE Select); coding-DNA position 7909, A replaced by T.
Protein change: p.Thr2637Ser; replaces threonine 2637 with serine.
Molecular consequence: missense variant. On other transcripts: intron variant (4).
Genome position (GRCh38, 1-based): chr10:60,072,972, T>A on the plus strand (A>T on the coding strand, the complement: ANK3 is on the minus strand). VCF-style: chr10-60072972-T-A. GRCh37 (hg19) VCF-style: chr10-61832730-T-A.
Other names: c.4388-4963A>T (NM_001204403.2); c.4409-4963A>T (NM_001204404.2); c.4406-4963A>T (NM_001320874.2); c.1808-4963A>T (NM_001149.4); short protein forms T2637S.
Identifiers: ClinVar variation 2640490 (VCV002640490.24), dbSNP rs2492547385, ClinGen allele CA377009010.
Genomic context (GRCh38, chr10:60,072,972, plus strand): 5'-GTCCATCAGGGCCATGCTGTCTTGCCTTAACCCACTCATCATTGGATGCCAGCAGTTCTG[T>A]CAGTAGCACTTTCTCAGGGCTGCTACTGGTAGGGCTTTGAGAAGAATATTCTTTGCCATT-3'
Protein context (NP_066267.2, residues 2627-2647): TSSSPEKVLL[Thr2637Ser]ELLASNDEWV

ClinVar aggregate classification (germline): Uncertain significance (1 of 4 stars; one submission).

Submission:

CeGaT Center for Human Genetics Tuebingen
Classification: Uncertain significance. Last evaluated: 2023-07-01. Review status: criteria provided, single submitter. Criteria: CeGaT Center For Human Genetics Tuebingen Variant Classification Criteria Version 2. Collection method: clinical testing. Allele origin: germline. Affected: yes. Observed: 1 variant allele.
Comment: ANK3: PM2, BP4